The following is an entry in ClinVar:

NM_000377.3(WAS):c.912G>A (p.Arg304=)

Gene: WAS (WASP actin nucleation promoting factor; plus strand). Cytogenetic location: Xp11.23.
Variant type: single nucleotide variant.
Coding change: c.912G>A on transcript NM_000377.3 (MANE Select); coding-DNA position 912, G replaced by A.
Protein change: p.Arg304=; no amino-acid change (arginine 304 retained).
Molecular consequence: synonymous variant.
Genome position (GRCh38, 1-based): chrX:48,688,434, G>A. VCF-style: chrX-48688434-G-A. GRCh37 (hg19) VCF-style: chrX-48546823-G-A.
Identifiers: ClinVar variation 1165654 (VCV001165654.33), dbSNP rs782572275, ClinGen allele CA10404001.
Genomic context (GRCh38, chrX:48,688,434, plus strand): 5'-CGAGACCTCTAAACTTATCTACGACTTCATTGAGGACCAGGGTGGGCTGGAGGCTGTGCG[G>A]CAGGAGATGAGGCGCCAGGGTGAGACCCTGCTTCCATACGCTCCCTTCTCTAGCCCAAGC-3'
Protein context (NP_000368.1, residues 294-314): IEDQGGLEAV[Arg304=]QEMRRQEPLP

ClinVar aggregate classification (germline): Benign/Likely benign. Review status: criteria provided, multiple submitters, no conflicts (2 of 4 stars). 3 submissions from 3 submitters: Benign (1); Likely benign (2). Last evaluated 2024-06-05.

Conditions:
Thrombocytopenia 1. Also called: X-linked thrombocytopenia with normal platelets; X-Linked Thrombocytopenia (XLT); THROMBOCYTOPENIA, X-LINKED, 1. Identifiers: Orphanet 268322, Orphanet 852, MedGen C1839163, MONDO:0010743, OMIM 313900.
X-linked severe congenital neutropenia (SCNX). Identifiers: Orphanet 86788, MedGen C1845987, MONDO:0010294, OMIM 300299.
Wiskott-Aldrich syndrome (WAS). Also called: ALDRICH SYNDROME; IMMUNODEFICIENCY 2; WISKOTT-ALDRICH SYNDROME 1; Wiskott-aldrich syndrome, somatic. Identifiers: Orphanet 906, MedGen C0043194, MONDO:0010518, OMIM 301000.

Allele frequency attached by ClinVar (database versions not stated): gnomAD exomes 0.00002 and 0.00003; ExAC 0.00004.

Submissions (3):

Blueprint Genetics
Classification: Likely benign. Last evaluated: 2024-06-05. Review status: criteria provided, single submitter. Criteria: ACMG Guidelines, 2015. Collection method: clinical testing. Allele origin: germline.

Labcorp Genetics (formerly Invitae), Labcorp
Classification: Benign for Wiskott-Aldrich syndrome; X-linked severe congenital neutropenia; Thrombocytopenia 1. Last evaluated: 2023-04-10. Review status: criteria provided, single submitter. Criteria: Invitae Variant Classification Sherloc (09022015). Collection method: clinical testing. Allele origin: germline.

CeGaT Center for Human Genetics Tuebingen
Classification: Likely benign. Last evaluated: 2023-03-01. Review status: criteria provided, single submitter. Criteria: CeGaT Center For Human Genetics Tuebingen Variant Classification Criteria Version 2. Collection method: clinical testing. Allele origin: germline. Affected: yes. Observed: 1 variant allele.
Comment: WAS: BP4, BP7, BS2